The following is an entry in ClinVar:

ClinVar aggregate classification (germline): Likely benign (1 of 4 stars; one submission).

Allele frequency attached by ClinVar (database versions not stated): 1000 Genomes Project 30x 0.00515; 1000 Genomes Project 0.00519; gnomAD 0.00848; TOPMed 0.00857; ESP Exome Variant Server 0.00954; ExAC 0.00971.
gnomAD v4.1: 18,394 of 1,602,100 alleles (1.1%); highest among the groups gnomAD compares: Middle Eastern, 1.6%; 129 homozygotes.

Submission:

GeneDx
Classification: Likely benign. Last evaluated: 2018-07-05. Review status: criteria provided, single submitter. Criteria: GeneDx Variant Classification Process June 2021. Collection method: clinical testing. Allele origin: germline. Affected: yes.
Comment: See Variant Classification Assertion Criteria.

NM_032383.5(HPS3):c.2888-42G>A

Genes: CP (ceruloplasmin; minus strand), HPS3 (HPS3 biogenesis of lysosomal organelles complex 2 subunit 1; plus strand). Cytogenetic location: 3q24.
Variant type: single nucleotide variant.
Coding change: c.2888-42G>A on transcript NM_032383.5 (MANE Select); 42 bases into the intron before coding-DNA position 2888, G replaced by A.
Molecular consequence: intron variant.
Genome position (GRCh38, 1-based): chr3:149,172,053, G>A. VCF-style: chr3-149172053-G-A. GRCh37 (hg19) VCF-style: chr3-148889840-G-A.
Other names: c.2393-42G>A (NM_001308258.2).
Identifiers: ClinVar variation 1707212 (VCV001707212.2), dbSNP rs138521782, ClinGen allele CA2660498.